The following is an entry in ClinVar:

NM_000350.3(ABCA4):c.6114del (p.Leu2039fs)

Gene: ABCA4 (ATP binding cassette subfamily A member 4; minus strand). Cytogenetic location: 1p22.1.
Variant type: Deletion.
Coding change: c.6114del on transcript NM_000350.3 (MANE Select); coding-DNA position 6114, one base deleted (G; older notation c.6114delG).
Protein change: p.Leu2039fs; shifts the reading frame from leucine 2039.
Molecular consequence: frameshift variant.
Genome position (GRCh38, 1-based): chr1:94,005,474, C deleted on the plus strand (G on the coding strand, the reverse complement: ABCA4 is on the minus strand); the first of 2 consecutive C bases (chr1:94,005,474-94,005,475); deleting either gives the same sequence. VCF-style (leftmost placement, unchanged base first): chr1-94005473-GC-G. GRCh37 (hg19) VCF-style: chr1-94471029-GC-G.
Other names: c.5891delG, p.Leu1965Phefs (NM_001425324.1); short protein forms L2039fs.
Identifiers: ClinVar variation 2030474 (VCV002030474.5), dbSNP rs2523637933, ClinGen allele CA2580063417.
Genomic context (GRCh38, chr1:94,005,473, plus strand): 5'-TATGTGGCCACAACAAAACATTTTTCACCTTTTCGATTTCTTCTGCTGGTACACCTCGAA[GC>G]CGGGCATAAAGGTAAAGATGTTCTCGTCCTGTGAGCAGCTCATCAATTGCATCAAACTGA-3'

ClinVar aggregate classification (germline): Pathogenic/Likely pathogenic. Review status: criteria provided, multiple submitters, no conflicts (2 of 4 stars). 2 submissions from 2 submitters: Pathogenic (1); Likely pathogenic (1). Last evaluated 2022-12-22.

Conditions:
ABCA4-related disorder. Also called: ABCA4-related disorders; ABCA4-related condition. Identifiers: MedGen CN239167.

Submissions (2):

Labcorp Genetics (formerly Invitae), Labcorp
Classification: Pathogenic. Last evaluated: 2022-12-22. Review status: criteria provided, single submitter. Criteria: Invitae Variant Classification Sherloc (09022015). Collection method: clinical testing. Allele origin: germline.
Comment: This sequence change creates a premature translational stop signal (p.Leu2039Phefs*22) in the ABCA4 gene. It is expected to result in an absent or disrupted protein product. Loss-of-function variants in ABCA4 are known to be pathogenic (PMID: 10958761, 24938718, 25312043, 26780318). This variant is not present in population databases (gnomAD no frequency). This variant has not been reported in the literature in individuals affected with ABCA4-related conditions. For these reasons, this variant has been classified as Pathogenic.

Blueprint Genetics
Classification: Likely pathogenic for ABCA4-related disorders. Last evaluated: 2021-12-09. Review status: criteria provided, single submitter. Criteria: ACMG Guidelines, 2015. Collection method: clinical testing. Allele origin: germline. Affected: yes. Observed: 1 variant allele.

Literature cited by the submitters: PubMed 10958761 (cited by Labcorp Genetics (formerly Invitae), Labcorp); PubMed 24938718 (cited by Labcorp Genetics (formerly Invitae), Labcorp); PubMed 25312043 (cited by Labcorp Genetics (formerly Invitae), Labcorp); PubMed 26780318 (cited by Labcorp Genetics (formerly Invitae), Labcorp).